The following is an entry in ClinVar:

NM_175914.5(HNF4A):c.*3104A>C

Gene: HNF4A (hepatocyte nuclear factor 4 alpha; plus strand). Cytogenetic location: 20q13.12.
Variant type: single nucleotide variant.
Coding change: c.*3104A>C on transcript NM_175914.5 (MANE Select); 3104 bases downstream of the stop codon, A replaced by C.
Molecular consequence: 3 prime UTR variant.
Genome position (GRCh38, 1-based): chr20:44,432,769, A>C. VCF-style: chr20-44432769-A-C. GRCh37 (hg19) VCF-style: chr20-43061409-A-C.
Other names: c.*3104A>C (NM_000457.6, NM_001030003.3, NM_001258355.2 and 3 more transcripts).
Identifiers: ClinVar variation 338495 (VCV000338495.6), dbSNP rs886056703, ClinGen allele CA10643922.

ClinVar aggregate classification (germline): Conflicting classifications of pathogenicity. Review status: criteria provided, conflicting classifications (1 of 4 stars). 3 submissions from 2 submitters: Uncertain significance (2); Likely benign (1). Last evaluated 2018-01-13.

Conditions:
Familial hyperinsulinism. Also called: Congenital hyperinsulinism. Identifiers: Orphanet 276525, MedGen C3888018, MONDO:0017182. Disease mechanism: loss of function.
Maturity-onset diabetes of the young type 1. Also called: MILD JUVENILE DIABETES MELLITUS; MODY, type I; MODY type 1; Diabetes mellitus MODY type 1; MODY HNF4A related; HNF4A-Related Maturity-Onset Diabetes of the Young Type 1. Identifiers: Orphanet 552, MedGen C1852093, MONDO:0007452, OMIM 125850. Disease mechanism: loss of function.
Maturity-onset diabetes of the young (MODY). Also called: Maturity onset diabetes mellitus in young. Identifiers: Orphanet 552, MedGen C0342276, MONDO:0018911, HP:0004904.

Submissions (3):

Illumina Laboratory Services, Illumina
Classification: Uncertain significance for Maturity-onset diabetes of the young type 1. Last evaluated: 2018-01-13. Review status: criteria provided, single submitter. Criteria: ICSL Variant Classification Criteria 13 December 2019. Collection method: clinical testing. Allele origin: germline.

Illumina Laboratory Services, Illumina
Classification: Uncertain significance for Familial hyperinsulinism. Last evaluated: 2018-01-13. Review status: criteria provided, single submitter. Criteria: ICSL Variant Classification Criteria 13 December 2019. Collection method: clinical testing. Allele origin: germline.

Clinical Genomics, Uppaluri K&H Personalized Medicine Clinic
Classification: Likely benign for Maturity-onset diabetes of the young. Review status: criteria provided, single submitter. Criteria: K & H Uppaluri Personalized Medicine Clinic Variant Classification & Assertion Criteria_Updated V.1. Collection method: research. Allele origin: unknown. Inheritance: Autosomal dominant inheritance.
Comment: Potent mutations in HNF4A are associated with poor insulin secretion in response to hyperglycemia. Associated with MODY1. Patients initially respond well to sulfonylureas but eventually become insulin dependent. However, more evidence is required to ascertain the role of this particular variant rs886056703 in MODY, yet.

Literature cited by the submitters: DOI 10.1159/000334532 (cited by Clinical Genomics, Uppaluri K&H Personalized Medicine Clinic); PubMed 18268044 (cited by Clinical Genomics, Uppaluri K&H Personalized Medicine Clinic); PubMed 17563455 (cited by Clinical Genomics, Uppaluri K&H Personalized Medicine Clinic); PubMed 32583173 (cited by Clinical Genomics, Uppaluri K&H Personalized Medicine Clinic); PubMed 35052457 (cited by Clinical Genomics, Uppaluri K&H Personalized Medicine Clinic); PubMed 35118593 (cited by Clinical Genomics, Uppaluri K&H Personalized Medicine Clinic).